The following is an entry in ClinVar:

NM_000057.4(BLM):c.2182A>G (p.Thr728Ala)

Gene: BLM (BLM RecQ like helicase; plus strand). Cytogenetic location: 15q26.1.
Variant type: single nucleotide variant.
Coding change: c.2182A>G on transcript NM_000057.4 (MANE Select); coding-DNA position 2182, A replaced by G.
Protein change: p.Thr728Ala; replaces threonine 728 with alanine.
Molecular consequence: missense variant.
Genome position (GRCh38, 1-based): chr15:90,765,403, A>G. VCF-style: chr15-90765403-A-G. GRCh37 (hg19) VCF-style: chr15-91308633-A-G.
Other names: c.2182A>G, p.Thr728Ala (NM_001287246.2, NM_001287247.2); c.1057A>G, p.Thr353Ala (NM_001287248.2); short protein forms T353A, T728A.
Identifiers: ClinVar variation 1422046 (VCV001422046.6), dbSNP rs1440142847, ClinGen allele CA393844730.
Genomic context (GRCh38, chr15:90,765,403, plus strand): 5'-GGGGTCACTGTTGTCATTTCTCCCTTGAGATCACTTATCGTAGATCAAGTCCAAAAGCTG[A>G]CTTCCTTGGATGTAAGTTATAAAAATACTAATAAAAACACGCCTTAGAAACAATTAAATT-3'
Protein context (NP_000048.1, residues 718-738): SLIVDQVQKL[Thr728Ala]SLDIPATYLT

ClinVar aggregate classification (germline): Uncertain significance (1 of 4 stars; one submission).

Conditions:
Bloom syndrome (BLM). Also called: Bloom-Torre-Machacek syndrome. Identifiers: Orphanet 125, MedGen C0005859, MONDO:0008876, OMIM 210900.

Allele frequency attached by ClinVar (database versions not stated): gnomAD exomes below 0.00001; gnomAD 0.00001; TOPMed 0.00001.
gnomAD v4.1: 2 of 1,599,518 alleles (0.00013%); highest among the groups gnomAD compares: African/African-American, 0.0027%; no homozygotes.

Submission:

Labcorp Genetics (formerly Invitae), Labcorp
Classification: Uncertain significance for Bloom syndrome. Last evaluated: 2025-05-04. Review status: criteria provided, single submitter. Criteria: Invitae Variant Classification Sherloc (09022015). Collection method: clinical testing. Allele origin: germline.
Comment: This sequence change replaces threonine, which is neutral and polar, with alanine, which is neutral and non-polar, at codon 728 of the BLM protein (p.Thr728Ala). This variant is present in population databases (no rsID available, gnomAD 0.007%). This variant has not been reported in the literature in individuals affected with BLM-related conditions. ClinVar contains an entry for this variant (Variation ID: 1422046). Invitae Evidence Modeling of protein sequence and biophysical properties (such as structural, functional, and spatial information, amino acid conservation, physicochemical variation, residue mobility, and thermodynamic stability) indicates that this missense variant is not expected to disrupt BLM protein function with a negative predictive value of 80%. In summary, the available evidence is currently insufficient to determine the role of this variant in disease. Therefore, it has been classified as a Variant of Uncertain Significance.